The following is an entry in ClinVar:

NM_003200.5(TCF3):c.233G>A (p.Gly78Asp)

Gene: TCF3 (transcription factor 3; minus strand). Cytogenetic location: 19p13.3.
Variant type: single nucleotide variant.
Coding change: c.233G>A on transcript NM_003200.5 (MANE Select); coding-DNA position 233, G replaced by A.
Protein change: p.Gly78Asp; replaces glycine 78 with aspartic acid.
Molecular consequence: missense variant.
Genome position (GRCh38, 1-based): chr19:1,632,103, C>T on the plus strand (G>A on the coding strand, the complement: TCF3 is on the minus strand). VCF-style: chr19-1632103-C-T. GRCh37 (hg19) VCF-style: chr19-1632102-C-T.
Other names: c.233G>A, p.Gly78Asp (NM_001136139.4, NM_001351778.2, NM_001351779.2); short protein forms G78D.
Identifiers: ClinVar variation 4804052 (VCV004804052.1).
Genomic context (GRCh38, chr19:1,632,103, plus strand): 5'-AGTCCCGGTCCCAGGAATGTGGATGAAGAGAGGCTGCTGTGCGACTCAGTGAAGTGGGTG[C>T]CCTCGCTGAAGGTCTAGGGGAGATGGGGTGGGGATGAGAGGTGCTGGGGCTTCACAGGCC-3'
Protein context (NP_003191.1, residues 68-88): SFDPSRTFSE[Gly78Asp]THFTESHSSL

ClinVar aggregate classification (germline): Uncertain significance (1 of 4 stars; one submission).

gnomAD v4.1: 4 of 1,613,176 alleles (0.00025%); highest among the groups gnomAD compares: Admixed American, 0.0033%; no homozygotes.

Submission:

Labcorp Genetics (formerly Invitae), Labcorp
Classification: Uncertain significance. Last evaluated: 2025-10-24. Review status: criteria provided, single submitter. Criteria: Invitae Variant Classification Sherloc (09022015). Collection method: clinical testing. Allele origin: germline.
Comment: This sequence change replaces glycine, which is neutral and non-polar, with aspartic acid, which is acidic and polar, at codon 78 of the TCF3 protein (p.Gly78Asp). The frequency data for this variant in the population databases is considered unreliable, as metrics indicate poor data quality at this position in the gnomAD database. This variant has not been reported in the literature in individuals affected with TCF3-related conditions. Invitae Evidence Modeling of protein sequence and biophysical properties (such as structural, functional, and spatial information, amino acid conservation, physicochemical variation, residue mobility, and thermodynamic stability) indicates that this missense variant is not expected to disrupt TCF3 protein function with a negative predictive value of 80%. In summary, the available evidence is currently insufficient to determine the role of this variant in disease. Therefore, it has been classified as a Variant of Uncertain Significance.